The following is an entry in ClinVar:

ClinVar aggregate classification (germline): Uncertain significance (1 of 4 stars; one submission).

Conditions:
Acne inversa, familial, 3 (ACNINV3). Identifiers: MedGen C3151038, MONDO:0013398, OMIM 613737.
Frontotemporal dementia (FTD1). Also called: WILHELMSEN-LYNCH DISEASE; Dementia, frontotemporal, with or without parkinsonism; Frontotemporal Dementia with Parkinsonism-17 (FTDP-17); FRONTOTEMPORAL DEMENTIA WITH PARKINSONISM; FRONTOTEMPORAL LOBE DEMENTIA; MULTIPLE SYSTEM TAUOPATHY WITH PRESENILE DEMENTIA. Identifiers: Orphanet 282, MedGen C0338451, MONDO:0017276, OMIM 600274, HP:0002145.
Pick disease. Also called: PICK DISEASE OF BRAIN; LOBAR ATROPHY OF BRAIN; DEMENTIA WITH LOBAR ATROPHY AND NEURONAL CYTOPLASMIC INCLUSIONS; Pick's disease; Pick Disease of the Brain. Identifiers: Orphanet 282, MedGen C0236642, MONDO:0008243, OMIM 172700.
Alzheimer disease 3 (AD3). Also called: ALZHEIMER DISEASE, FAMILIAL, 3. Identifiers: Orphanet 1020, MedGen C1843013, MONDO:0011913, OMIM 607822.

Submission:

Labcorp Genetics (formerly Invitae), Labcorp
Classification: Uncertain significance for Alzheimer disease 3; Pick disease; Acne inversa, familial, 3; Frontotemporal dementia. Last evaluated: 2024-11-05. Review status: criteria provided, single submitter. Criteria: Invitae Variant Classification Sherloc (09022015). Collection method: clinical testing. Allele origin: germline.
Comment: This sequence change replaces methionine, which is neutral and non-polar, with isoleucine, which is neutral and non-polar, at codon 292 of the PSEN1 protein (p.Met292Ile). This variant is not present in population databases (gnomAD no frequency). This variant has not been reported in the literature in individuals affected with PSEN1-related conditions. ClinVar contains an entry for this variant (Variation ID: 1981356). Invitae Evidence Modeling of protein sequence and biophysical properties (such as structural, functional, and spatial information, amino acid conservation, physicochemical variation, residue mobility, and thermodynamic stability) has been performed for this missense variant. However, the output from this modeling did not meet the statistical confidence thresholds required to predict the impact of this variant on PSEN1 protein function. In summary, the available evidence is currently insufficient to determine the role of this variant in disease. Therefore, it has been classified as a Variant of Uncertain Significance.

NM_000021.4(PSEN1):c.876G>C (p.Met292Ile)

Gene: PSEN1 (presenilin 1; plus strand). Cytogenetic location: 14q24.2.
Variant type: single nucleotide variant.
Coding change: c.876G>C on transcript NM_000021.4 (MANE Select); coding-DNA position 876, G replaced by C.
Protein change: p.Met292Ile; replaces methionine 292 with isoleucine.
Molecular consequence: missense variant.
Genome position (GRCh38, 1-based): chr14:73,206,393, G>C. VCF-style: chr14-73206393-G-C. GRCh37 (hg19) VCF-style: chr14-73673101-G-C.
Other names: c.864G>C, p.Met288Ile (NM_007318.3); short protein forms M288I, M292I.
Identifiers: ClinVar variation 1981356 (VCV001981356.4), dbSNP rs1332096103, ClinGen allele CA390304706.